The following is an entry in ClinVar:

ClinVar aggregate classification (germline): Uncertain significance (1 of 4 stars; one submission).

Submission:

Labcorp Genetics (formerly Invitae), Labcorp
Classification: Uncertain significance. Last evaluated: 2025-08-09. Review status: criteria provided, single submitter. Criteria: Invitae Variant Classification Sherloc (09022015). Collection method: clinical testing. Allele origin: germline.
Comment: This sequence change replaces isoleucine, which is neutral and non-polar, with valine, which is neutral and non-polar, at codon 369 of the SLC17A8 protein (p.Ile369Val). This variant is not present in population databases (gnomAD no frequency). This variant has not been reported in the literature in individuals affected with SLC17A8-related conditions. Invitae Evidence Modeling of protein sequence and biophysical properties (such as structural, functional, and spatial information, amino acid conservation, physicochemical variation, residue mobility, and thermodynamic stability) indicates that this missense variant is not expected to disrupt SLC17A8 protein function with a negative predictive value of 80%. In summary, the available evidence is currently insufficient to determine the role of this variant in disease. Therefore, it has been classified as a Variant of Uncertain Significance.

NM_139319.3(SLC17A8):c.1105A>G (p.Ile369Val)

Gene: SLC17A8 (solute carrier family 17 member 8; plus strand). Cytogenetic location: 12q23.1.
Variant type: single nucleotide variant.
Coding change: c.1105A>G on transcript NM_139319.3 (MANE Select); coding-DNA position 1105, A replaced by G.
Protein change: p.Ile369Val; replaces isoleucine 369 with valine.
Molecular consequence: missense variant.
Genome position (GRCh38, 1-based): chr12:100,404,089, A>G. VCF-style: chr12-100404089-A-G. GRCh37 (hg19) VCF-style: chr12-100797867-A-G.
Other names: c.955A>G, p.Ile319Val (NM_001145288.2); short protein forms I319V, I369V.
Identifiers: ClinVar variation 4803494 (VCV004803494.1).
Genomic context (GRCh38, chr12:100,404,089, plus strand): 5'-CCCTTCCAGGTGGGTCTCTTGTCAGCAGTCCCACACATGGTTATGACAATCGTTGTACCT[A>G]TTGGAGGACAATTGGCTGATTATTTAAGAAGCAGACAAATTTTAACCACAACTGCTGTCA-3'
Protein context (NP_647480.1, residues 359-379): PHMVMTIVVP[Ile369Val]GGQLADYLRS